The following is an entry in ClinVar:

ClinVar aggregate classification (germline): Likely benign (0 of 4 stars; one submission).

Conditions:
MRPS28-related disorder. Also called: MRPS28-related condition.

Allele frequency attached by ClinVar (database versions not stated): gnomAD exomes 0.00003; ESP Exome Variant Server 0.00008; ExAC 0.00011; gnomAD 0.00032; TOPMed 0.00033; 1000 Genomes Project 30x 0.00109; 1000 Genomes Project 0.00120.
gnomAD v4.1: 88 of 1,611,788 alleles (0.0055%); highest among the groups gnomAD compares: African/African-American, 0.11%; 1 homozygote.

Submission:

PreventionGenetics, part of Exact Sciences
Classification: Likely benign for MRPS28-related condition. Last evaluated: 2021-12-12. Review status: no assertion criteria provided. Collection method: clinical testing. Allele origin: germline.
Comment: This variant is classified as likely benign based on ACMG/AMP sequence variant interpretation guidelines (Richards et al. 2015 PMID: 25741868, with internal and published modifications).

NM_014018.3(MRPS28):c.477T>C (p.Asp159=)

Genes: MRPS28 (mitochondrial ribosomal protein S28; minus strand), TPD52-MRPS28 (TPD52-MRPS28 readthrough; minus strand). Cytogenetic location: 8q21.13.
Variant type: single nucleotide variant.
Coding change: c.477T>C on transcript NM_014018.3 (MANE Select); coding-DNA position 477, T replaced by C.
Protein change: p.Asp159=; no amino-acid change (aspartic acid 159 retained).
Molecular consequence: synonymous variant.
Genome position (GRCh38, 1-based): chr8:79,919,067, A>G on the plus strand (T>C on the coding strand, the complement: MRPS28 is on the minus strand). VCF-style: chr8-79919067-A-G. GRCh37 (hg19) VCF-style: chr8-80831302-A-G.
Other names: c.699T>C, p.Asp233= (NM_001387778.1).
Identifiers: ClinVar variation 3036960 (VCV003036960.2), dbSNP rs186500857, ClinGen allele CA4789915.